The following is an entry in ClinVar:

NM_014141.6(CNTNAP2):c.755-5C>T

Gene: CNTNAP2 (contactin associated protein 2; plus strand). Cytogenetic location: 7q35.
Variant type: single nucleotide variant.
Coding change: c.755-5C>T on transcript NM_014141.6 (MANE Select); 5 bases into the intron before coding-DNA position 755, C replaced by T.
Molecular consequence: intron variant.
Genome position (GRCh38, 1-based): chr7:147,120,974, C>T. VCF-style: chr7-147120974-C-T. GRCh37 (hg19) VCF-style: chr7-146818066-C-T.
Identifiers: ClinVar variation 136809 (VCV000136809.29), dbSNP rs369675346, ClinGen allele CA290163.
Genomic context (GRCh38, chr7:147,120,974, plus strand): 5'-CTTCTGCTTCACAGAGTTGGCCATAGCATCATTGCATTGTTTCTTTTTCACTTCTGTGTA[C>T]GCAGGAAGCAACCAGCTTGGCCCCATATATGGCCACACATCAGTGATGACAGGAAGTTTG-3'

ClinVar aggregate classification (germline): Conflicting classifications of pathogenicity. Review status: criteria provided, conflicting classifications (1 of 4 stars). 11 submissions from 11 submitters: Uncertain significance (4); Benign (1); Likely benign (5). 1 of the submissions does not count toward it. Last evaluated 2026-09-26.

Conditions:
CNTNAP2-related disorder. Also called: CNTNAP2-related condition.
Self-limited epilepsy with centrotemporal spikes. Also called: Rolandic epilepsy; Childhood epilepsy with centrotemporal spikes. Identifiers: Orphanet 1945, MedGen C0376532, MONDO:0007295.
Inborn genetic diseases. Identifiers: MedGen C0950123, MeSH D030342.
Cortical dysplasia-focal epilepsy syndrome (PTHSL1). Also called: Pitt-Hopkins-like syndrome 1. Identifiers: Orphanet 163681, Orphanet 221150, MedGen C2750246, MONDO:0012400, OMIM 610042.
Autism, susceptibility to, 15. Also called: Autism susceptibility 15. Identifiers: MedGen C2677504, MONDO:0012801, OMIM 612100.

Allele frequency attached by ClinVar (database versions not stated): gnomAD 0.00010; TOPMed 0.00025; 1000 Genomes Project 30x 0.00047; 1000 Genomes Project 0.00060.
gnomAD v4.1: 272 of 1,613,146 alleles (0.017%); highest among the groups gnomAD compares: Admixed American, 0.08%; no homozygotes.

Submissions (11):

PreventionGenetics, part of Exact Sciences
Classification: Likely benign for CNTNAP2-related condition. Last evaluated: 2026-09-26. Review status: criteria provided, single submitter. Criteria: ACMG Guidelines, 2015. Collection method: clinical testing. Allele origin: germline.
Comment: This variant is classified as likely benign based on ACMG/AMP sequence variant interpretation guidelines (Richards et al. 2015 PMID: 25741868, with internal and published modifications).

Labcorp Genetics (formerly Invitae), Labcorp
Classification: Likely benign for Cortical dysplasia-focal epilepsy syndrome. Last evaluated: 2026-01-24. Review status: criteria provided, single submitter. Criteria: Invitae Variant Classification Sherloc (09022015). Collection method: clinical testing. Allele origin: germline.

Women's Health and Genetics/Laboratory Corporation of America, LabCorp
Classification: Likely benign. Last evaluated: 2025-04-23. Review status: criteria provided, single submitter. Criteria: LabCorp Variant Classification Summary - May 2015. Collection method: clinical testing. Allele origin: germline.
Comment: Variant summary: CNTNAP2 c.755-5C>T alters a nucleotide located at a position not widely known to affect splicing. Consensus agreement among computation tools predict no significant impact on normal splicing. However, these predictions have yet to be confirmed by functional studies. The variant allele was found at a frequency of 0.00027 in 251082 control chromosomes. This frequency is not significantly higher than estimated for a pathogenic variant in CNTNAP2 causing Pitt-Hopkins-Like Syndrome 1 (0.00027 vs 0.0011), allowing no conclusion about variant significance. c.755-5C>T has been observed in individual(s) affected with epilepsy (Bobbili_2018). These report(s) do not provide unequivocal conclusions about association of the variant with Pitt-Hopkins-Like Syndrome 1. To our knowledge, no experimental evidence demonstrating an impact on protein function has been reported. The following publication has been ascertained in the context of this evaluation (PMID: 29358611). ClinVar contains an entry for this variant (Variation ID: 136809). Based on the evidence outlined above, the variant was classified as likely benign.

Ambry Genetics
Classification: Uncertain significance for Inborn genetic diseases. Last evaluated: 2025-02-20. Review status: criteria provided, single submitter. Criteria: Ambry Variant Classification Scheme 2023. Collection method: clinical testing. Allele origin: germline.
Comment: The c.755-5C>T intronic alteration consists of a C to T substitution 5 nucleotides before coding exon 6 in the CNTNAP2 gene. Based on insufficient or conflicting evidence, the clinical significance of this alteration remains unclear.

Blueprint Genetics
Classification: Likely benign. Last evaluated: 2024-10-23. Review status: criteria provided, single submitter. Criteria: ACMG Guidelines, 2015. Collection method: clinical testing. Allele origin: germline.

Athena Diagnostics
Classification: Uncertain significance. Last evaluated: 2018-05-22. Review status: criteria provided, single submitter. Criteria: Athena Diagnostics Criteria. Collection method: clinical testing. Allele origin: germline.

Eurofins Ntd Llc (ga)
Classification: Uncertain significance. Last evaluated: 2017-04-24. Review status: criteria provided, single submitter. Criteria: EGL Classification Definitions 2015. Collection method: clinical testing. Allele origin: germline. Observed: 1 variant allele, 1 heterozygote.

Genetic Services Laboratory, University of Chicago
Classification: Likely benign. Last evaluated: 2016-06-30. Review status: criteria provided, single submitter. Criteria: ACMG Guidelines, 2015. Collection method: clinical testing. Allele origin: germline. Affected: no.

GeneDx
Classification: Benign. Last evaluated: 2014-02-20. Review status: criteria provided, single submitter. Criteria: GeneDx Variant Classification (06012015). Collection method: clinical testing. Allele origin: germline. Affected: yes.
Comment: This variant is considered likely benign or benign based on one or more of the following criteria: it is a conservative change, it occurs at a poorly conserved position in the protein, it is predicted to be benign by multiple in silico algorithms, and/or has population frequency not consistent with disease.

Center for Genomics, Ann and Robert H. Lurie Children's Hospital of Chicago
Classification: Uncertain significance for Cortical dysplasia-focal epilepsy syndrome; Autism, susceptibility to, 15. Review status: criteria provided, single submitter. Criteria: ACMG Guidelines, 2015. Collection method: clinical testing. Allele origin: germline.
Comment: CNTNAP2 NM_014141.5 exon 6 c.755-5C>T: This variant has not been reported in the literature but is present in 23/126370 European alleles in the Genome Aggregation Database. This variant is present in ClinVar (Variation ID:136809). Evolutionary conservation and computational predictive tools for this variant are limited or unavailable. This variant is an intronic variant; splice prediction tools suggest that this variant may not affect splicing. However, further studies are needed to understand its impact. In summary, data on this variant is insufficient for disease classification. Therefore, the clinical significance of this variant is uncertain.

Bioinformatics Core, Luxembourg Center for Systems Biomedicine
Classification: Pathogenic for Self-limited epilepsy with centrotemporal spikes. Last evaluated: 2017-01-01. Review status: no assertion criteria provided. Collection method: case-control. Allele origin: germline. Affected: yes. Study: EUROEPINOMICS COGIE. Not counted in ClinVar's aggregate classification.

Literature cited by the submitters: PubMed 29358611 (cited by Women's Health and Genetics/Laboratory Corporation of America, LabCorp and Bioinformatics Core, Luxembourg Center for Systems Biomedicine).